The following is an entry in ClinVar:

NM_001851.6(COL9A1):c.2008G>A (p.Gly670Ser)

Gene: COL9A1 (collagen type IX alpha 1 chain; minus strand). Cytogenetic location: 6q13.
Variant type: single nucleotide variant.
Coding change: c.2008G>A on transcript NM_001851.6 (MANE Select); coding-DNA position 2008, G replaced by A.
Protein change: p.Gly670Ser; replaces glycine 670 with serine.
Molecular consequence: missense variant. On other transcripts: non-coding transcript variant (1).
Genome position (GRCh38, 1-based): chr6:70,241,445, C>T on the plus strand (G>A on the coding strand, the complement: COL9A1 is on the minus strand). VCF-style: chr6-70241445-C-T. GRCh37 (hg19) VCF-style: chr6-70951148-C-T.
Other names: c.2008G>A (NM_001851.4); c.1309G>A, p.Gly437Ser (NM_001377289.1); c.1279G>A, p.Gly427Ser (NM_001377290.1, NM_078485.4); short protein forms G427S, G437S, G670S.
Identifiers: ClinVar variation 1019889 (VCV001019889.7), dbSNP rs778543412, ClinGen allele CA3881918.
Genomic context (GRCh38, chr6:70,241,445, plus strand): 5'-TTGCATTTTATACCAATTAAATAATAAGACTGACCTGTTCACCCTTTGGACCCGGTTCAC[C>T]GACTACACCCTGTAATAAATAAAATATAATACTTTTTCAGTATTTTCAACTGTTTATATA-3'
Protein context (NP_001842.3, residues 660-680): PGMKGDRGVV[Gly670Ser]EPGPKGEQGA

ClinVar aggregate classification (germline): Uncertain significance. Review status: criteria provided, multiple submitters, no conflicts (2 of 4 stars). 3 submissions from 3 submitters: Uncertain significance (3). Last evaluated 2025-10-29.

Conditions:
COL9A1-related disorder. Also called: COL9A1-related disorders; COL9A1-related condition.
Inborn genetic diseases. Identifiers: MedGen C0950123, MeSH D030342.

Allele frequency attached by ClinVar (database versions not stated): TOPMed 0.00002; gnomAD 0.00004; gnomAD exomes 0.00004; ExAC 0.00005.
gnomAD v4.1: 72 of 1,609,928 alleles (0.0045%); highest among the groups gnomAD compares: Admixed American, 0.005%; no homozygotes.

Submissions (3):

Labcorp Genetics (formerly Invitae), Labcorp
Classification: Uncertain significance. Last evaluated: 2025-10-29. Review status: criteria provided, single submitter. Criteria: Invitae Variant Classification Sherloc (09022015). Collection method: clinical testing. Allele origin: germline.
Comment: This sequence change replaces glycine, which is neutral and non-polar, with serine, which is neutral and polar, at codon 670 of the COL9A1 protein (p.Gly670Ser). This variant is present in population databases (rs778543412, gnomAD 0.05%). This variant has not been reported in the literature in individuals affected with COL9A1-related conditions. ClinVar contains an entry for this variant (Variation ID: 1019889). Invitae Evidence Modeling of protein sequence and biophysical properties (such as structural, functional, and spatial information, amino acid conservation, physicochemical variation, residue mobility, and thermodynamic stability) indicates that this missense variant is expected to disrupt COL9A1 protein function with a positive predictive value of 95%. In summary, the available evidence is currently insufficient to determine the role of this variant in disease. Therefore, it has been classified as a Variant of Uncertain Significance.

PreventionGenetics, part of Exact Sciences
Classification: Uncertain significance for COL9A1-related condition. Last evaluated: 2025-03-18. Review status: criteria provided, single submitter. Criteria: ACMG Guidelines, 2015. Collection method: clinical testing. Allele origin: germline.
Comment: The COL9A1 c.2008G>A variant is predicted to result in the amino acid substitution p.Gly670Ser. To our knowledge, this variant has not been reported in the literature. This variant is reported in 0.060% of alleles in individuals of Ashkenazi Jewish descent in gnomAD. Although we suspect that this variant may be benign, at this time, the clinical significance of this variant is uncertain due to the absence of conclusive functional and genetic evidence.

Ambry Genetics
Classification: Uncertain significance for Inborn genetic diseases. Last evaluated: 2022-11-01. Review status: criteria provided, single submitter. Criteria: Ambry Variant Classification Scheme 2023. Collection method: clinical testing. Allele origin: germline.